The following is an entry in ClinVar:

NM_022436.3(ABCG5):c.349G>T (p.Gly117Cys)

Gene: ABCG5 (ATP binding cassette subfamily G member 5; minus strand). Cytogenetic location: 2p21.
Variant type: single nucleotide variant.
Coding change: c.349G>T on transcript NM_022436.3 (MANE Select); coding-DNA position 349, G replaced by T.
Protein change: p.Gly117Cys; replaces glycine 117 with cysteine.
Molecular consequence: missense variant.
Genome position (GRCh38, 1-based): chr2:43,832,000, C>A on the plus strand (G>T on the coding strand, the complement: ABCG5 is on the minus strand). VCF-style: chr2-43832000-C-A. GRCh37 (hg19) VCF-style: chr2-44059139-C-A.
Other names: short protein forms G117C.
Identifiers: ClinVar variation 4613326 (VCV004613326.1).

ClinVar aggregate classification (germline): Uncertain significance (1 of 4 stars; one submission).

Conditions:
Cardiovascular phenotype. Identifiers: MedGen CN230736.

Submission:

Ambry Genetics
Classification: Uncertain significance for Cardiovascular phenotype. Last evaluated: 2025-10-11. Review status: criteria provided, single submitter. Criteria: Ambry Variant Classification Scheme 2023. Collection method: clinical testing. Allele origin: germline.
Comment: The p.G117C variant (also known as c.349G>T), located in coding exon 3 of the ABCG5 gene, results from a G to T substitution at nucleotide position 349. The glycine at codon 117 is replaced by cysteine, an amino acid with highly dissimilar properties. This amino acid position is conserved. In addition, this alteration is predicted to be deleterious by in silico analysis. Based on the available evidence, the clinical significance of this variant remains unclear.